The following is an entry in ClinVar:

ClinVar aggregate classification (germline): Uncertain significance (1 of 4 stars; one submission).

Submission:

CeGaT Center for Human Genetics Tuebingen
Classification: Uncertain significance. Last evaluated: 2024-04-01. Review status: criteria provided, single submitter. Criteria: CeGaT Center For Human Genetics Tuebingen Variant Classification Criteria Version 2. Collection method: clinical testing. Allele origin: germline. Affected: yes. Observed: 1 variant allele.
Comment: AARS1: PM2

NM_001605.3(AARS1):c.584T>C (p.Ile195Thr)

Gene: AARS1 (alanyl-tRNA synthetase 1; minus strand). Cytogenetic location: 16q22.1.
Variant type: single nucleotide variant.
Coding change: c.584T>C on transcript NM_001605.3 (MANE Select); coding-DNA position 584, T replaced by C.
Protein change: p.Ile195Thr; replaces isoleucine 195 with threonine.
Molecular consequence: missense variant.
Genome position (GRCh38, 1-based): chr16:70,271,868, A>G on the plus strand (T>C on the coding strand, the complement: AARS1 is on the minus strand). VCF-style: chr16-70271868-A-G. GRCh37 (hg19) VCF-style: chr16-70305771-A-G.
Other names: short protein forms I195T.
Identifiers: ClinVar variation 3234348 (VCV003234348.20), dbSNP rs2507020766, ClinGen allele CA396566726.